The following is an entry in ClinVar:

NM_032444.4(SLX4):c.3049G>A (p.Glu1017Lys)

Gene: SLX4 (SLX4 structure-specific endonuclease subunit; minus strand). Cytogenetic location: 16p13.3.
Variant type: single nucleotide variant.
Coding change: c.3049G>A on transcript NM_032444.4 (MANE Select); coding-DNA position 3049, G replaced by A.
Protein change: p.Glu1017Lys; replaces glutamic acid 1017 with lysine.
Molecular consequence: missense variant.
Genome position (GRCh38, 1-based): chr16:3,590,589, C>T on the plus strand (G>A on the coding strand, the complement: SLX4 is on the minus strand). VCF-style: chr16-3590589-C-T. GRCh37 (hg19) VCF-style: chr16-3640590-C-T.
Other names: short protein forms E1017K.
Identifiers: ClinVar variation 2744819 (VCV002744819.3), dbSNP rs2040574889, ClinGen allele CA394522212.

ClinVar aggregate classification (germline): Uncertain significance (1 of 4 stars; one submission).

Conditions:
Fanconi anemia (FA). Also called: Fanconi's anemia. Identifiers: Orphanet 84, MedGen C0015625, MeSH D005199, MONDO:0019391.

Allele frequency attached by ClinVar (database versions not stated): gnomAD 0.00001; TOPMed 0.00001.
gnomAD v4.1: 1 of 1,613,478 alleles (0.000062%); highest among the groups gnomAD compares: Non-Finnish European, 0.000085%; no homozygotes.

Submission:

Labcorp Genetics (formerly Invitae), Labcorp
Classification: Uncertain significance for Fanconi anemia. Last evaluated: 2023-06-02. Review status: criteria provided, single submitter. Criteria: Invitae Variant Classification Sherloc (09022015). Collection method: clinical testing. Allele origin: germline.
Comment: In summary, the available evidence is currently insufficient to determine the role of this variant in disease. Therefore, it has been classified as a Variant of Uncertain Significance. An algorithm developed to predict the effect of missense changes on protein structure and function (PolyPhen-2) suggests that this variant is likely to be tolerated. This variant has not been reported in the literature in individuals affected with SLX4-related conditions. This variant is not present in population databases (gnomAD no frequency). This sequence change replaces glutamic acid, which is acidic and polar, with lysine, which is basic and polar, at codon 1017 of the SLX4 protein (p.Glu1017Lys).